The following is an entry in ClinVar:

NM_006306.4(SMC1A):c.1731G>A (p.Glu577=)

Gene: SMC1A (structural maintenance of chromosomes 1A; minus strand). Cytogenetic location: Xp11.22.
Variant type: single nucleotide variant.
Coding change: c.1731G>A on transcript NM_006306.4 (MANE Select); coding-DNA position 1731, G replaced by A.
Protein change: p.Glu577=; no amino-acid change (glutamic acid 577 retained).
Molecular consequence: synonymous variant.
Genome position (GRCh38, 1-based): chrX:53,405,771, C>T on the plus strand (G>A on the coding strand, the complement: SMC1A is on the minus strand). VCF-style: chrX-53405771-C-T. GRCh37 (hg19) VCF-style: chrX-53432703-C-T.
Other names: c.1665G>A, p.Glu555= (NM_001281463.1).
Identifiers: ClinVar variation 4879514 (VCV004879514.1).

ClinVar aggregate classification (germline): Likely pathogenic (1 of 4 stars; one submission).

Conditions:
Congenital muscular hypertrophy-cerebral syndrome (CDLS2). Also called: Cornelia de Lange syndrome 2; SMC1A-Related Cornelia de Lange Syndrome. Identifiers: Orphanet 199, MedGen C1802395, MONDO:0010370, OMIM 300590.

Submission:

Clinical Genomics Laboratory, Washington University in St. Louis
Classification: Likely pathogenic for Congenital muscular hypertrophy-cerebral syndrome. Last evaluated: 2026-04-30. Review status: criteria provided, single submitter. Criteria: ACMG Guidelines, 2015. Collection method: clinical testing. Allele origin: germline. Affected: yes.
Comment: The SMC1A c.1731G>A (p.Glu577=) variant has been reported in as occurring de novo in one individual affected with microcephaly, seizures, and characteristic facial features (Hansen J et al., PMID: 23863341). This variant is absent from the general population (gnomAD v4.1.1), indicating it is not a common variant. Although this variant occurs in the last nucleotide of the exon, a position that is highly conserved, computational predictors indicate that the variant has no impact on splicing, evidence that this variant does not have a damaging effect on SMC1A function. Based on available information and the ACMG/AMP guidelines for variant interpretation (Richards S et al., PMID: 25741868), this variant is classified as likely pathogenic.